The following is an entry in ClinVar:

NM_000308.4(CTSA):c.692+3A>G

Gene: CTSA (cathepsin A; plus strand). Cytogenetic location: 20q13.12.
Variant type: single nucleotide variant.
Coding change: c.692+3A>G on transcript NM_000308.4 (MANE Select); 3 bases into the intron after coding-DNA position 692, A replaced by G.
Molecular consequence: intron variant.
Genome position (GRCh38, 1-based): chr20:45,893,314, A>G. VCF-style: chr20-45893314-A-G. GRCh37 (hg19) VCF-style: chr20-44521953-A-G.
Other names: IVS7DS, A-G, +3; c.692+3A>G (NM_001127695.3); c.641+3A>G (NM_001167594.3).
Identifiers: ClinVar variation 376 (VCV000000376.11), dbSNP rs786200859, ClinGen allele CA212737.
Genomic context (GRCh38, chr20:45,893,314, plus strand): 5'-AGCAGAATGACAACTCCCTGGTCTACTTTGCCTACTACCATGGCCTTCTGGGGAACAGGT[A>G]TGGGATAGGGCAGTTGGGCAATCTCTGGGGTGAGGCAGGTCACATGATCTCAGGTCTGTC-3'

ClinVar aggregate classification (germline): Pathogenic. Review status: criteria provided, multiple submitters, no conflicts (2 of 4 stars). 3 submissions from 3 submitters: Pathogenic (2). 1 of the submissions does not count toward it. Last evaluated 2024-02-23.

Conditions:
GALACTOSIALIDOSIS, ADULT. Identifiers: MedGen C4017293.
Combined deficiency of sialidase AND beta galactosidase (GSL). Also called: NEURAMINIDASE DEFICIENCY WITH BETA-GALACTOSIDASE DEFICIENCY; NEURAMINIDASE/BETA-GALACTOSIDASE EXPRESSION; CATHEPSIN A DEFICIENCY; PPCA DEFICIENCY; PROTECTIVE PROTEIN/CATHEPSIN A DEFICIENCY; GOLDBERG SYNDROME. Identifiers: Orphanet 351, MedGen C0268233, MONDO:0009737, OMIM 256540.

Allele frequency attached by ClinVar (database versions not stated): gnomAD exomes 0.00001.

Submissions (3):

Labcorp Genetics (formerly Invitae), Labcorp
Classification: Pathogenic for Combined deficiency of sialidase AND beta galactosidase. Last evaluated: 2024-02-23. Review status: criteria provided, single submitter. Criteria: Invitae Variant Classification Sherloc (09022015). Collection method: clinical testing. Allele origin: germline.
Comment: This sequence change falls in intron 7 of the CTSA gene. It does not directly change the encoded amino acid sequence of the CTSA protein. It affects a nucleotide within the consensus splice site. This variant is not present in population databases (gnomAD no frequency). This variant has been observed in individual(s) with galactosialidosis (PMID: 31044084, 32774297). In at least one individual the data is consistent with being in trans (on the opposite chromosome) from a pathogenic variant. This variant is also known as IVS7+3A>G. ClinVar contains an entry for this variant (Variation ID: 376). Variants that disrupt the consensus splice site are a relatively common cause of aberrant splicing (PMID: 17576681, 9536098). Algorithms developed to predict the effect of sequence changes on RNA splicing suggest that this variant may disrupt the consensus splice site. For these reasons, this variant has been classified as Pathogenic.

Illumina Laboratory Services, Illumina
Classification: Pathogenic for Combined deficiency of sialidase AND beta galactosidase. Last evaluated: 2017-04-27. Review status: criteria provided, single submitter. Criteria: ICSL Variant Classification Criteria 09 May 2019. Collection method: clinical testing. Allele origin: germline.
Comment: The CTSA c.746+3A>G variant, also known as the SpDEx7 variant, has been reported in six studies in which it is found in a total of 14 individuals with galactosialidosis, all of Japanese origin, including nine in a homozygous state and five in a compound heterozygous state (Shimmoto et al. 1990; Shimmoto et al. 1993; Zhou et al. 1993; Tatano et al. 2006; Yamazaki et al. 2014; Hossain et al. 2016). Control data are unavailable for this variant which is also not found in the 1000 Genomes Project, the Exome Sequencing Project, or the Exome Aggregation Consortium. Functional studies by Shimmoto et al. (1993) have demonstrated that the variant causes aberrant splicing and skipping of exon 7 while allowing the production of a small amount of correctly spliced mRNA. This is thought to result in the milder late-onset phenotype seen in individuals who are homozygous for the variant while a more severe phenotype is seen in individuals who are compound heterozygotes for this variant in combination with different missense variants. Reduced capthepsin activity (one percent of normal levels) was demonstrated in an individual who was a compound heterozygote for the variant (Zhou et al. 1993). Based on the evidence, the c.746+3A>G variant is classified as pathogenic for galactosialidosis. This variant was observed by ICSL as part of a predisposition screen in an ostensibly healthy population.

OMIM
Classification: Pathogenic for GALACTOSIALIDOSIS, ADULT. Last evaluated: 2021-06-25. Review status: no assertion criteria provided. Collection method: literature only. Allele origin: germline. Not counted in ClinVar's aggregate classification.

Literature cited by the submitters: PubMed 31044084 (cited by Labcorp Genetics (formerly Invitae), Labcorp); PubMed 32774297 (cited by Labcorp Genetics (formerly Invitae), Labcorp); PubMed 17576681 (cited by Labcorp Genetics (formerly Invitae), Labcorp); PubMed 9536098 (cited by Labcorp Genetics (formerly Invitae), Labcorp); PubMed 8968752 (cited by Illumina Laboratory Services, Illumina); PubMed 24779613 (cited by Illumina Laboratory Services, Illumina); PubMed 16538002 (cited by Illumina Laboratory Services, Illumina); PubMed 26259553 (cited by Illumina Laboratory Services, Illumina); PubMed 8514852 (cited by Illumina Laboratory Services, Illumina); Shimmoto, M., Takano, T., Fukuhara, Y., Oshima, A., Sakuraba, H., Suzuki, Y. Japanese-type adult galactosialidosis: a unique and common splice junction mutation causing exon skipping in the protective protein/carboxypeptidase gene. Proc. Jpn. Acad. 66B: 217-222, 1990. (cited by OMIM).